The following is an entry in ClinVar:

NM_002336.3(LRP6):c.3192A>G (p.Val1064=)

Gene: LRP6 (LDL receptor related protein 6; minus strand). Cytogenetic location: 12p13.2.
Variant type: single nucleotide variant.
Coding change: c.3192A>G on transcript NM_002336.3 (MANE Select); coding-DNA position 3192, A replaced by G.
Protein change: p.Val1064=; no amino-acid change (valine 1064 retained).
Molecular consequence: synonymous variant.
Genome position (GRCh38, 1-based): chr12:12,148,956, T>C on the plus strand (A>G on the coding strand, the complement: LRP6 is on the minus strand). VCF-style: chr12-12148956-T-C. GRCh37 (hg19) VCF-style: chr12-12301890-T-C.
Other names: p.Val1064=.
Identifiers: ClinVar variation 723536 (VCV000723536.16), dbSNP rs114714311, ClinGen allele CA6455315.

ClinVar aggregate classification (germline): Benign/Likely benign. Review status: criteria provided, multiple submitters, no conflicts (2 of 4 stars). 6 submissions from 6 submitters: Benign (4); Likely benign (1). 1 of the submissions does not count toward it. Last evaluated 2026-01-27.

Conditions:
LRP6-related disorder. Also called: LRP6-related condition.
Coronary artery disease, autosomal dominant 2 (ADCAD2). Identifiers: MedGen C1970440, MONDO:0012586, OMIM 610947.
Tooth agenesis, selective, 7 (STHAG7). Identifiers: Orphanet 99798, MedGen C4225231, MONDO:0014749, OMIM 616724.

Allele frequency attached by ClinVar (database versions not stated): gnomAD exomes 0.00051 and 0.00129; ExAC 0.00167; gnomAD 0.00513 and 0.00552; ESP Exome Variant Server 0.00577; TOPMed 0.00587; 1000 Genomes Project 30x 0.00671; 1000 Genomes Project 0.00679.
gnomAD v4.1: 1,536 of 1,613,158 alleles (0.095%); highest among the groups gnomAD compares: African/African-American, 1.8%; 10 homozygotes.

Submissions (6):

Labcorp Genetics (formerly Invitae), Labcorp
Classification: Benign. Last evaluated: 2026-01-27. Review status: criteria provided, single submitter. Criteria: Invitae Variant Classification Sherloc (09022015). Collection method: clinical testing. Allele origin: germline.

Mayo Clinic Laboratories, Mayo Clinic
Classification: Benign. Last evaluated: 2025-03-26. Review status: criteria provided, single submitter. Criteria: ACMG Guidelines, 2015. Collection method: clinical testing. Allele origin: germline. Observed: 4 variant alleles.
Comment: BS1, BS2, BP4, BP7

Blueprint Genetics
Classification: Likely benign. Last evaluated: 2024-10-24. Review status: criteria provided, single submitter. Criteria: ACMG Guidelines, 2015. Collection method: clinical testing. Allele origin: germline.

Fulgent Genetics
Classification: Benign for Coronary artery disease, autosomal dominant 2; Tooth agenesis, selective, 7. Last evaluated: 2022-03-01. Review status: criteria provided, single submitter. Criteria: ACMG Guidelines, 2015. Collection method: clinical testing. Allele origin: unknown.

Breakthrough Genomics
Classification: Benign. Review status: criteria provided, single submitter. Criteria: ACMG Guidelines, 2015. Collection method: not provided. Allele origin: germline. Inheritance: Autosomal dominant inheritance. Affected: yes.

PreventionGenetics, part of Exact Sciences
Classification: Benign for LRP6-related condition. Last evaluated: 2019-08-13. Review status: no assertion criteria provided. Collection method: clinical testing. Allele origin: germline. Not counted in ClinVar's aggregate classification.
Comment: This variant is classified as benign based on ACMG/AMP sequence variant interpretation guidelines (Richards et al. 2015 PMID: 25741868, with internal and published modifications).